The following continues an entry in ClinVar:

NM_000540.3(RYR1):c.4178A>G (p.Lys1393Arg)

Gene: RYR1. ClinVar aggregate classification (germline): Benign. Benign (1).

Submissions 11 to 23 of 23:

Illumina Laboratory Services, Illumina
Classification: Likely benign for Congenital multicore myopathy with external ophthalmoplegia. Last evaluated: 2018-02-09. Review status: criteria provided, single submitter. Criteria: ICSL Variant Classification Criteria 13 December 2019. Collection method: clinical testing. Allele origin: germline. Not counted in ClinVar's aggregate classification.
Comment: This variant was observed as part of a predisposition screen in an ostensibly healthy population. A literature search was performed for the gene, cDNA change, and amino acid change (where applicable). No publications were found based on this search. Allele frequency data from public databases allowed determination this variant is unlikely to cause disease. Therefore, this variant is classified as likely benign.

Illumina Laboratory Services, Illumina
Classification: Likely benign for Central core myopathy. Last evaluated: 2018-02-09. Review status: criteria provided, single submitter. Criteria: ICSL Variant Classification Criteria 13 December 2019. Collection method: clinical testing. Allele origin: germline. Not counted in ClinVar's aggregate classification.
Comment: the same text as in the submission from Illumina Laboratory Services, Illumina above.

Athena Diagnostics
Classification: Uncertain significance. Last evaluated: 2017-04-21. Review status: criteria provided, single submitter. Criteria: Athena Diagnostics Criteria. Collection method: clinical testing. Allele origin: germline. Not counted in ClinVar's aggregate classification.

Center for Pediatric Genomic Medicine, Children's Mercy Hospital and Clinics
Classification: Uncertain significance. Last evaluated: 2017-02-22. Review status: criteria provided, single submitter. Criteria: ACMG Guidelines, 2015. Collection method: clinical testing. Allele origin: germline. Not counted in ClinVar's aggregate classification.

Eurofins Ntd Llc (ga)
Classification: Uncertain significance. Last evaluated: 2015-06-03. Review status: criteria provided, single submitter. Criteria: EGL Classification Definitions 2015. Collection method: clinical testing. Allele origin: germline. Observed: 8 variant alleles, 8 heterozygotes. Not counted in ClinVar's aggregate classification.

Biesecker Lab/Clinical Genomics Section, National Institutes of Health
Classification: Benign for Malignant hyperthermia, susceptibility to, 1. Last evaluated: 2013-07-01. Review status: criteria provided, single submitter. Criteria: Gonsalves et al. 2013. Collection method: research. Allele origin: unknown. Observed: 5 variant alleles. Study: ClinSeq. Not counted in ClinVar's aggregate classification.
Comment: The study set was not selected for affection status in relation to any myopathy. Pathogenicity categories were based on literature curation. See Pubmed ID: 24195946 for details.

Breakthrough Genomics
Classification: Likely benign. Review status: criteria provided, single submitter. Criteria: ACMG Guidelines, 2015. Collection method: not provided. Allele origin: germline. Inheritance: Autosomal recessive inheritance. Affected: yes. Not counted in ClinVar's aggregate classification.

PreventionGenetics, part of Exact Sciences
Classification: Likely benign for RYR1-related condition. Last evaluated: 2024-07-25. Review status: no assertion criteria provided. Collection method: clinical testing. Allele origin: germline. Not counted in ClinVar's aggregate classification.
Comment: This variant is classified as likely benign based on ACMG/AMP sequence variant interpretation guidelines (Richards et al. 2015 PMID: 25741868, with internal and published modifications).

CSER _CC_NCGL, University of Washington
Classification: Likely benign for Malignant hyperthermia. Last evaluated: 2014-06-01. Review status: no assertion criteria provided. Collection method: research. Allele origin: germline. Inheritance: Autosomal dominant inheritance. Study: ESP 6500 variant annotation. Not counted in ClinVar's aggregate classification.
Comment: Variants classified for the Actionable exomic incidental findings in 6503 participants: challenges of variant classification manuscript

Diagnostic Laboratory, Department of Genetics, University Medical Center Groningen
Classification: Likely benign. Review status: no assertion criteria provided. Collection method: clinical testing. Allele origin: germline. Affected: yes. Study: VKGL Data-share Consensus. Not counted in ClinVar's aggregate classification.

Genome Diagnostics Laboratory, University Medical Center Utrecht
Classification: Benign. Review status: no assertion criteria provided. Collection method: clinical testing. Allele origin: germline. Affected: yes. Study: VKGL Data-share Consensus. Not counted in ClinVar's aggregate classification.

Joint Genome Diagnostic Labs from Nijmegen and Maastricht, Radboudumc and MUMC+
Classification: Likely benign. Review status: no assertion criteria provided. Collection method: clinical testing. Allele origin: germline. Affected: yes. Study: VKGL Data-share Consensus. Not counted in ClinVar's aggregate classification.

Laboratory of Diagnostic Genome Analysis, Leiden University Medical Center (LUMC)
Classification: Likely benign. Review status: no assertion criteria provided. Collection method: clinical testing. Allele origin: germline. Affected: yes. Study: VKGL Data-share Consensus. Not counted in ClinVar's aggregate classification.

Literature cited by the submitters: PubMed 19346234 (cited by 3 submitters); PubMed 20142353 (cited by 3 submitters); PubMed 22473935 (cited by Molecular Genetics, Royal Melbourne Hospital and Eurofins Ntd Llc (ga)); PubMed 23329375 (cited by 3 submitters); PubMed 23558838 (cited by Molecular Genetics, Royal Melbourne Hospital); PubMed 23628358 (cited by Molecular Genetics, Royal Melbourne Hospital and Athena Diagnostics); PubMed 24195946 (cited by 3 submitters); PubMed 24433488 (cited by Molecular Genetics, Royal Melbourne Hospital and Eurofins Ntd Llc (ga)); PubMed 25614869 (cited by Molecular Genetics, Royal Melbourne Hospital); PubMed 25658027 (cited by Molecular Genetics, Royal Melbourne Hospital and Athena Diagnostics); PubMed 25735680 (cited by Molecular Genetics, Royal Melbourne Hospital and Athena Diagnostics); PubMed 25960145 (cited by Molecular Genetics, Royal Melbourne Hospital); PubMed 26565425 (cited by Molecular Genetics, Royal Melbourne Hospital); PubMed 28326467 (cited by Molecular Genetics, Royal Melbourne Hospital); PubMed 28496993 (cited by Molecular Genetics, Royal Melbourne Hospital); PubMed 25637381 (cited by Athena Diagnostics); PubMed 27153395 (cited by Athena Diagnostics); PubMed 26332594 (cited by Athena Diagnostics); PubMed 25985138 (cited by Athena Diagnostics); PubMed 27147545 (cited by Athena Diagnostics).